The following is an entry in ClinVar:

ClinVar aggregate classification (germline): Uncertain significance (1 of 4 stars; one submission).

Conditions:
Immunodeficiency, common variable, 10. Also called: IMMUNODEFICIENCY, COMMON VARIABLE, WITH CENTRAL ADRENAL INSUFFICIENCY; DEFICIT IN ANTERIOR PITUITARY FUNCTION AND VARIABLE IMMUNODEFICIENCY. Identifiers: MedGen C3809991, MONDO:0014260, OMIM 615577.

gnomAD v4.1: 6 of 1,611,742 alleles (0.00037%); highest among the groups gnomAD compares: Non-Finnish European, 0.00051%; no homozygotes.

Submissions (2):

Labcorp Genetics (formerly Invitae), Labcorp
Classification: Uncertain significance for Immunodeficiency, common variable, 10. Last evaluated: 2025-11-01. Review status: criteria provided, single submitter. Criteria: Invitae Variant Classification Sherloc (09022015). Collection method: clinical testing. Allele origin: germline.
Comment: This sequence change falls in intron 7 of the NFKB2 gene. It does not directly change the encoded amino acid sequence of the NFKB2 protein. This variant is not present in population databases (gnomAD no frequency). This variant has not been reported in the literature in individuals affected with NFKB2-related conditions. ClinVar contains an entry for this variant (Variation ID: 1988501). Algorithms developed to predict the effect of sequence changes on RNA splicing suggest that this variant may disrupt the consensus splice site. In summary, the available evidence is currently insufficient to determine the role of this variant in disease. Therefore, it has been classified as a Variant of Uncertain Significance.

Dr. Peter K. Rogan Lab, Western University
No classification provided (evidence only). Condition: Malignant tumor of esophagus. Review status: no classification provided. Collection method: in vitro. Allele origin: not applicable. Functional consequence: retained intron. Not counted in ClinVar's aggregate classification.

NM_001322934.2(NFKB2):c.503-16T>G

Gene: NFKB2 (nuclear factor kappa B subunit 2; plus strand). Cytogenetic location: 10q24.32.
Variant type: single nucleotide variant.
Coding change: c.503-16T>G on transcript NM_001322934.2 (MANE Select); 16 bases into the intron before coding-DNA position 503, T replaced by G.
Molecular consequence: intron variant.
Genome position (GRCh38, 1-based): chr10:102,397,511, T>G. VCF-style: chr10-102397511-T-G. GRCh37 (hg19) VCF-style: chr10-104157268-T-G.
Other names: c.503-16T>G (NM_001288724.1, NM_001322935.1, NM_001077494.3 and 2 more transcripts).
Identifiers: ClinVar variation 1988501 (VCV001988501.5), dbSNP rs201456641, ClinGen allele CA595635606.